The following is an entry in ClinVar:

NM_170707.4(LMNA):c.1934C>T (p.Ser645Phe)

Gene: LMNA (lamin A/C; plus strand). Cytogenetic location: 1q22.
Variant type: single nucleotide variant.
Coding change: c.1934C>T on transcript NM_170707.4 (MANE Select); coding-DNA position 1934, C replaced by T.
Protein change: p.Ser645Phe; replaces serine 645 with phenylalanine.
Molecular consequence: missense variant. On other transcripts: intron variant (1).
Genome position (GRCh38, 1-based): chr1:156,138,723, C>T. VCF-style: chr1-156138723-C-T. GRCh37 (hg19) VCF-style: chr1-156108514-C-T.
Other names: c.1598C>T, p.Ser533Phe (NM_001257374.3); c.1844C>T, p.Ser615Phe (NM_170708.4); c.1818+116C>T (NM_001282626.2); short protein forms S533F, S615F, S645F.
Identifiers: ClinVar variation 1170994 (VCV001170994.8), dbSNP rs2102902562, ClinGen allele CA342828056.

ClinVar aggregate classification (germline): Uncertain significance. Review status: criteria provided, multiple submitters, no conflicts (2 of 4 stars). 2 submissions from 2 submitters: Uncertain significance (2). Last evaluated 2024-03-06.

Conditions:
Cardiomyopathy (CMYO). Also called: Cardiomyopathies. Identifiers: Orphanet 167848, MedGen C0878544, MONDO:0004994, HP:0001638. Inheritance: Various modes of inheritance.
Charcot-Marie-Tooth disease type 2. Also called: Charcot-Marie-Tooth type 2. Identifiers: Orphanet 64746, MedGen C0270914, MONDO:0018993.

Submissions (2):

Color Diagnostics, LLC DBA Color Health
Classification: Uncertain significance for Cardiomyopathy. Last evaluated: 2024-03-06. Review status: criteria provided, single submitter. Criteria: ACMG Guidelines, 2015. Collection method: clinical testing. Allele origin: germline.
Comment: This missense variant replaces serine with phenylalanine at codon 645 of the lamin A protein. Computational prediction suggests that this variant may not impact protein structure and function (internally defined REVEL score threshold <= 0.5, PMID: 27666373). To our knowledge, functional studies have not been reported for this variant. This variant has not been reported in individuals affected with cardiovascular disorders in the literature. This variant has not been identified in the general population by the Genome Aggregation Database (gnomAD). The available evidence is insufficient to determine the role of this variant in disease conclusively. Therefore, this variant is classified as a Variant of Uncertain Significance.

Labcorp Genetics (formerly Invitae), Labcorp
Classification: Uncertain significance for Charcot-Marie-Tooth disease type 2. Last evaluated: 2022-01-11. Review status: criteria provided, single submitter. Criteria: Invitae Variant Classification Sherloc (09022015). Collection method: clinical testing. Allele origin: germline.
Comment: In summary, the available evidence is currently insufficient to determine the role of this variant in disease. Therefore, it has been classified as a Variant of Uncertain Significance. Algorithms developed to predict the effect of missense changes on protein structure and function are either unavailable or do not agree on the potential impact of this missense change (SIFT: "Deleterious"; PolyPhen-2: "Possibly Damaging"; Align-GVGD: "Class C0"). ClinVar contains an entry for this variant (Variation ID: 1170994). This variant has not been reported in the literature in individuals affected with LMNA-related conditions. This variant is not present in population databases (gnomAD no frequency). This sequence change replaces serine, which is neutral and polar, with phenylalanine, which is neutral and non-polar, at codon 645 of the LMNA protein (p.Ser645Phe).